The following is an entry in ClinVar:

ClinVar aggregate classification (germline): Pathogenic (1 of 4 stars; one submission).

Submission:

Labcorp Genetics (formerly Invitae), Labcorp
Classification: Pathogenic. Last evaluated: 2024-02-26. Review status: criteria provided, single submitter. Criteria: Invitae Variant Classification Sherloc (09022015). Collection method: clinical testing. Allele origin: germline.
Comment: This sequence change creates a premature translational stop signal (p.Val565Alafs*29) in the UNC80 gene. It is expected to result in an absent or disrupted protein product. Loss-of-function variants in UNC80 are known to be pathogenic (PMID: 26545877, 26708751, 26708753). This variant is not present in population databases (gnomAD no frequency). This variant has not been reported in the literature in individuals affected with UNC80-related conditions. Algorithms developed to predict the effect of sequence changes on RNA splicing suggest that this variant may disrupt the consensus splice site. For these reasons, this variant has been classified as Pathogenic.

Literature cited by the submitters: PubMed 26545877; PubMed 26708751; PubMed 26708753.

NC_000002.12:g.209818993_209818994del

Gene: UNC80 (unc-80 subunit of NALCN channel complex; plus strand). Cytogenetic location: 2q34.
Variant type: Deletion.
Genome position: GRCh38 VCF-style: chr2-209818991-AGT-A. GRCh37 (hg19) VCF-style: chr2-210683715-AGT-A.
Identifiers: ClinVar variation 2864613 (VCV002864613.3), dbSNP rs2470967737, ClinGen allele CA2739278578.